The following is an entry in ClinVar:

ClinVar aggregate classification (germline): Benign/Likely benign. Review status: criteria provided, multiple submitters, no conflicts (2 of 4 stars). 7 submissions from 7 submitters: Benign (3); Likely benign (4). Last evaluated 2026-09-01.

Conditions:
Cardiovascular phenotype. Identifiers: MedGen CN230736.
Spinocerebellar ataxia type 19/22 (SCA19). Also called: SPINOCEREBELLAR ATAXIA 19; SPINOCEREBELLAR ATAXIA 22. Identifiers: Orphanet 98772, MedGen C1846367, MONDO:0011819, OMIM 607346.

Allele frequency attached by ClinVar (database versions not stated): gnomAD 0.00005 and 0.00006; 1000 Genomes Project 30x 0.00016; 1000 Genomes Project 0.00020; TOPMed 0.00025.
gnomAD v4.1: 148 of 1,613,498 alleles (0.0092%); highest among the groups gnomAD compares: Admixed American, 0.24%; no homozygotes.

Submissions (7):

CeGaT Center for Human Genetics Tuebingen
Classification: Likely benign. Last evaluated: 2026-09-01. Review status: criteria provided, single submitter. Criteria: CeGaT Center For Human Genetics Tuebingen Variant Classification Criteria Version 2. Collection method: clinical testing. Allele origin: germline. Affected: yes. Observed: 2 variant alleles.
Comment: KCND3: BP4, BP7, BS1

Women's Health and Genetics/Laboratory Corporation of America, LabCorp
Classification: Benign. Last evaluated: 2026-03-05. Review status: criteria provided, single submitter. Criteria: LabCorp Variant Classification Summary - May 2015. Collection method: clinical testing. Allele origin: germline.

Labcorp Genetics (formerly Invitae), Labcorp
Classification: Benign for Spinocerebellar ataxia type 19/22. Last evaluated: 2026-02-01. Review status: criteria provided, single submitter. Criteria: Invitae Variant Classification Sherloc (09022015). Collection method: clinical testing. Allele origin: germline.

Athena Diagnostics
Classification: Benign. Last evaluated: 2025-10-20. Review status: criteria provided, single submitter. Criteria: Athena Diagnostics Criteria. Collection method: clinical testing. Allele origin: unknown.
Comment: The frequency of this variant in the general population is higher than would generally be expected for pathogenic variants in this gene.

Mayo Clinic Laboratories, Mayo Clinic
Classification: Likely benign. Last evaluated: 2025-02-28. Review status: criteria provided, single submitter. Criteria: ACMG Guidelines, 2015. Collection method: clinical testing. Allele origin: germline. Observed: 1 variant allele.
Comment: BS1, BP4, BP7

GeneDx
Classification: Likely benign. Last evaluated: 2019-11-05. Review status: criteria provided, single submitter. Criteria: GeneDx Variant Classification Process June 2021. Collection method: clinical testing. Allele origin: germline. Affected: yes.

Ambry Genetics
Classification: Likely benign for Cardiovascular phenotype. Last evaluated: 2019-02-03. Review status: criteria provided, single submitter. Criteria: Ambry Variant Classification Scheme 2023. Collection method: clinical testing. Allele origin: germline.

NM_001378969.1(KCND3):c.1308C>G (p.Gly436=)

Gene: KCND3 (potassium voltage-gated channel subfamily D member 3; minus strand). Cytogenetic location: 1p13.2.
Variant type: single nucleotide variant.
Coding change: c.1308C>G on transcript NM_001378969.1 (MANE Select); coding-DNA position 1308, C replaced by G.
Protein change: p.Gly436=; no amino-acid change (glycine 436 retained).
Molecular consequence: synonymous variant.
Genome position (GRCh38, 1-based): chr1:111,780,753, G>C on the plus strand (C>G on the coding strand, the complement: KCND3 is on the minus strand). VCF-style: chr1-111780753-G-C. GRCh37 (hg19) VCF-style: chr1-112323375-G-C.
Other names: p.Gly436=; c.1308C>G, p.Gly436= (NM_001378970.1, NM_004980.5, NM_172198.3).
Identifiers: ClinVar variation 465163 (VCV000465163.20), dbSNP rs190703406, ClinGen allele CA1007471.